The following is an entry in ClinVar:

ClinVar aggregate classification (germline): Pathogenic/Likely pathogenic. Review status: criteria provided, multiple submitters, no conflicts (2 of 4 stars). 2 submissions from 2 submitters: Pathogenic (1); Likely pathogenic (1). Last evaluated 2024-06-11.

Conditions:
Usher syndrome type 2C. Also called: Usher syndrome, type 2B; USHER SYNDROME, TYPE IIC. Identifiers: Orphanet 231178, Orphanet 886, MedGen C2931213, MONDO:0011558, OMIM 605472.
Febrile seizures, familial, 4 (FEB4). Also called: CONVULSIONS, FAMILIAL FEBRILE, 4. Identifiers: MedGen C1858493, MONDO:0011443, OMIM 604352.

Allele frequency attached by ClinVar (database versions not stated): TOPMed 0.00001.

Submissions (2):

Fulgent Genetics
Classification: Likely pathogenic for Febrile seizures, familial, 4; Usher syndrome type 2C. Last evaluated: 2024-06-11. Review status: criteria provided, single submitter. Criteria: ACMG Guidelines, 2015. Collection method: clinical testing. Allele origin: germline.

Labcorp Genetics (formerly Invitae), Labcorp
Classification: Pathogenic. Last evaluated: 2023-10-13. Review status: criteria provided, single submitter. Criteria: Invitae Variant Classification Sherloc (09022015). Collection method: clinical testing. Allele origin: germline.
Comment: This sequence change affects an acceptor splice site in intron 29 of the ADGRV1 gene. It is expected to disrupt RNA splicing. Variants that disrupt the donor or acceptor splice site typically lead to a loss of protein function (PMID: 16199547), and loss-of-function variants in ADGRV1 are known to be pathogenic (PMID: 19357117, 22135276, 22147658, 26226137, 30718709, 31047384, 32467589). This variant is not present in population databases (gnomAD no frequency). Disruption of this splice site has been observed in individual(s) with nonsyndromic deafness (Invitae). In at least one individual the data is consistent with being in trans (on the opposite chromosome) from a pathogenic variant. ClinVar contains an entry for this variant (Variation ID: 1967432). Algorithms developed to predict the effect of sequence changes on RNA splicing suggest that this variant may disrupt the consensus splice site. For these reasons, this variant has been classified as Pathogenic.

Literature cited by the submitters: PubMed 16199547 (cited by Labcorp Genetics (formerly Invitae), Labcorp); PubMed 19357117 (cited by Labcorp Genetics (formerly Invitae), Labcorp); PubMed 22135276 (cited by Labcorp Genetics (formerly Invitae), Labcorp); PubMed 22147658 (cited by Labcorp Genetics (formerly Invitae), Labcorp); PubMed 26226137 (cited by Labcorp Genetics (formerly Invitae), Labcorp); PubMed 30718709 (cited by Labcorp Genetics (formerly Invitae), Labcorp); PubMed 31047384 (cited by Labcorp Genetics (formerly Invitae), Labcorp); PubMed 32467589 (cited by Labcorp Genetics (formerly Invitae), Labcorp).

NM_032119.4(ADGRV1):c.6491-1G>A

Gene: ADGRV1 (adhesion G protein-coupled receptor V1; plus strand). Cytogenetic location: 5q14.3.
Variant type: single nucleotide variant.
Coding change: c.6491-1G>A on transcript NM_032119.4 (MANE Select); the canonical splice acceptor site of the intron before coding-DNA position 6491, G replaced by A.
Molecular consequence: splice acceptor variant.
Genome position (GRCh38, 1-based): chr5:90,689,860, G>A. VCF-style: chr5-90689860-G-A. GRCh37 (hg19) VCF-style: chr5-89985677-G-A.
Identifiers: ClinVar variation 1967432 (VCV001967432.6), dbSNP rs1010784407, ClinGen allele CA122796955.